The following is an entry in ClinVar:

ClinVar aggregate classification (germline): Uncertain significance (1 of 4 stars; one submission).

Allele frequency attached by ClinVar (database versions not stated): TOPMed below 0.00001; ExAC 0.00001.
gnomAD v4.1: 60 of 1,614,196 alleles (0.0037%); highest among the groups gnomAD compares: Non-Finnish European, 0.005%; no homozygotes.

Submission:

Labcorp Genetics (formerly Invitae), Labcorp
Classification: Uncertain significance. Last evaluated: 2023-09-27. Review status: criteria provided, single submitter. Criteria: Invitae Variant Classification Sherloc (09022015). Collection method: clinical testing. Allele origin: germline.
Comment: This sequence change replaces histidine, which is basic and polar, with proline, which is neutral and non-polar, at codon 589 of the KL protein (p.His589Pro). This variant is present in population databases (rs745818537, gnomAD 0.002%). This variant has not been reported in the literature in individuals affected with KL-related conditions. Advanced modeling of protein sequence and biophysical properties (such as structural, functional, and spatial information, amino acid conservation, physicochemical variation, residue mobility, and thermodynamic stability) has been performed at Invitae for this missense variant, however the output from this modeling did not meet the statistical confidence thresholds required to predict the impact of this variant on KL protein function. In summary, the available evidence is currently insufficient to determine the role of this variant in disease. Therefore, it has been classified as a Variant of Uncertain Significance.

NM_004795.4(KL):c.1766A>C (p.His589Pro)

Gene: KL (klotho; plus strand). Cytogenetic location: 13q13.1.
Variant type: single nucleotide variant.
Coding change: c.1766A>C on transcript NM_004795.4 (MANE Select); coding-DNA position 1766, A replaced by C.
Protein change: p.His589Pro; replaces histidine 589 with proline.
Molecular consequence: missense variant.
Genome position (GRCh38, 1-based): chr13:33,060,845, A>C. VCF-style: chr13-33060845-A-C. GRCh37 (hg19) VCF-style: chr13-33634982-A-C.
Other names: short protein forms H589P.
Identifiers: ClinVar variation 2983758 (VCV002983758.3), dbSNP rs745818537, ClinGen allele CA6944174.
Genomic context (GRCh38, chr13:33,060,845, plus strand): 5'-AATCCTACTGTGTTGACTTTGCTGCCATCCAGCCCCAGATCGCTTTACTCCAGGAAATGC[A>C]CGTTACACATTTTCGCTTCTCCCTGGACTGGGCCCTGATTCTCCCTCTGGGTAACCAGTC-3'
Protein context (NP_004786.2, residues 579-599): QPQIALLQEM[His589Pro]VTHFRFSLDW